The following is an entry in ClinVar:

NM_006506.5(RASA2):c.663T>C (p.Phe221=)

Gene: RASA2 (RAS p21 protein activator 2; plus strand). Cytogenetic location: 3q23.
Variant type: single nucleotide variant.
Coding change: c.663T>C on transcript NM_006506.5 (MANE Select); coding-DNA position 663, T replaced by C.
Protein change: p.Phe221=; no amino-acid change (phenylalanine 221 retained).
Molecular consequence: synonymous variant.
Genome position (GRCh38, 1-based): chr3:141,555,891, T>C. VCF-style: chr3-141555891-T-C. GRCh37 (hg19) VCF-style: chr3-141274733-T-C.
Other names: c.663T>C, p.Phe221= (NM_001303245.3, NM_001303246.3).
Identifiers: ClinVar variation 3055574 (VCV003055574.2), dbSNP rs2076145610, ClinGen allele CA435897084.

ClinVar aggregate classification (germline): Likely benign (0 of 4 stars; one submission).

Conditions:
RASA2-related disorder. Also called: RASA2-related condition.

Submission:

PreventionGenetics, part of Exact Sciences
Classification: Likely benign for RASA2-related condition. Last evaluated: 2022-11-08. Review status: no assertion criteria provided. Collection method: clinical testing. Allele origin: germline.
Comment: This variant is classified as likely benign based on ACMG/AMP sequence variant interpretation guidelines (Richards et al. 2015 PMID: 25741868, with internal and published modifications).